The following is an entry in ClinVar:

ClinVar aggregate classification (germline): Benign/Likely benign. Review status: criteria provided, multiple submitters, no conflicts (2 of 4 stars). 11 submissions from 8 submitters: Benign (5); Likely benign (5). 1 of the submissions does not count toward it. Last evaluated 2026-02-01.

Conditions:
CACNA1S-related disorder. Also called: CACNA1S-related condition.
Hypokalemic periodic paralysis, type 1. Also called: HypoPP; Hypokalemic Periodic Paralysis Type 1 (AD). Identifiers: Orphanet 681, MedGen C3714580, MONDO:0042979, OMIM 170400.
Malignant hyperthermia, susceptibility to, 5 (MHS5). Also called: CACNA1S-Related Malignant Hyperthermia Susceptibility. Identifiers: Orphanet 423, MedGen C1866077, MONDO:0011163, OMIM 601887.
Thyrotoxic periodic paralysis, susceptibility to, 1 (TTPP1). Identifiers: Orphanet 79102, MedGen C2749982, MONDO:0008570, OMIM 188580.
Congenital myopathy 18. Also called: Myopathy, congenital, due to dihydropyridine receptor defect; DIHYDROPYRIDINE RECEPTOR CONGENITAL MYOPATHY; DHPR CONGENITAL MYOPATHY. Identifiers: MedGen C5830283, MONDO:0859514, OMIM 620246.

Allele frequency attached by ClinVar (database versions not stated): 1000 Genomes Project 30x 0.00016; 1000 Genomes Project 0.00020; gnomAD exomes 0.00021; ExAC 0.00026; ESP Exome Variant Server 0.00077; gnomAD 0.00095 and 0.00100; TOPMed 0.00102.
gnomAD v4.1: 274 of 1,614,200 alleles (0.017%); highest among the groups gnomAD compares: African/African-American, 0.31%; no homozygotes.

Submissions (11):

Labcorp Genetics (formerly Invitae), Labcorp
Classification: Benign for Hypokalemic periodic paralysis, type 1; Malignant hyperthermia, susceptibility to, 5. Last evaluated: 2026-02-01. Review status: criteria provided, single submitter. Criteria: Invitae Variant Classification Sherloc (09022015). Collection method: clinical testing. Allele origin: germline.

Blueprint Genetics
Classification: Likely benign. Last evaluated: 2024-11-11. Review status: criteria provided, single submitter. Criteria: ACMG Guidelines, 2015. Collection method: clinical testing. Allele origin: germline.

CeGaT Center for Human Genetics Tuebingen
Classification: Likely benign. Last evaluated: 2024-05-01. Review status: criteria provided, single submitter. Criteria: CeGaT Center For Human Genetics Tuebingen Variant Classification Criteria Version 2. Collection method: clinical testing. Allele origin: germline. Affected: yes. Observed: 1 variant allele.
Comment: CACNA1S: BP4, BP7

Genome-Nilou Lab
Classification: Benign for Malignant hyperthermia, susceptibility to, 5. Last evaluated: 2023-04-11. Review status: criteria provided, single submitter. Criteria: ACMG Guidelines, 2015. Collection method: clinical testing. Allele origin: germline. Affected: no.

Genome-Nilou Lab
Classification: Benign for Thyrotoxic periodic paralysis, susceptibility to, 1. Last evaluated: 2023-04-11. Review status: criteria provided, single submitter. Criteria: ACMG Guidelines, 2015. Collection method: clinical testing. Allele origin: germline. Affected: no.

Genome-Nilou Lab
Classification: Benign for Congenital myopathy 18. Last evaluated: 2023-04-11. Review status: criteria provided, single submitter. Criteria: ACMG Guidelines, 2015. Collection method: clinical testing. Allele origin: germline. Affected: no.

Genome-Nilou Lab
Classification: Benign for Hypokalemic periodic paralysis, type 1. Last evaluated: 2023-04-11. Review status: criteria provided, single submitter. Criteria: ACMG Guidelines, 2015. Collection method: clinical testing. Allele origin: germline. Affected: no.

Color Diagnostics, LLC DBA Color Health
Classification: Likely benign for Malignant hyperthermia, susceptibility to, 5. Last evaluated: 2022-11-06. Review status: criteria provided, single submitter. Criteria: ACMG Guidelines, 2015. Collection method: clinical testing. Allele origin: germline.

Fulgent Genetics
Classification: Likely benign for Hypokalemic periodic paralysis, type 1; Thyrotoxic periodic paralysis, susceptibility to, 1; Malignant hyperthermia, susceptibility to, 5. Last evaluated: 2021-08-09. Review status: criteria provided, single submitter. Criteria: ACMG Guidelines, 2015. Collection method: clinical testing. Allele origin: unknown.

GeneDx
Classification: Likely benign. Last evaluated: 2016-12-08. Review status: criteria provided, single submitter. Criteria: GeneDx Variant Classification (06012015). Collection method: clinical testing. Allele origin: germline. Affected: yes.
Comment: This variant is considered likely benign or benign based on one or more of the following criteria: it is a conservative change, it occurs at a poorly conserved position in the protein, it is predicted to be benign by multiple in silico algorithms, and/or has population frequency not consistent with disease.

PreventionGenetics, part of Exact Sciences
Classification: Likely benign for CACNA1S-related condition. Last evaluated: 2022-06-22. Review status: no assertion criteria provided. Collection method: clinical testing. Allele origin: germline. Not counted in ClinVar's aggregate classification.
Comment: This variant is classified as likely benign based on ACMG/AMP sequence variant interpretation guidelines (Richards et al. 2015 PMID: 25741868, with internal and published modifications).

NM_000069.3(CACNA1S):c.165G>A (p.Thr55=)

Gene: CACNA1S (calcium voltage-gated channel subunit alpha1 S; minus strand). Cytogenetic location: 1q32.1.
Variant type: single nucleotide variant.
Coding change: c.165G>A on transcript NM_000069.3 (MANE Select); coding-DNA position 165, G replaced by A.
Protein change: p.Thr55=; no amino-acid change (threonine 55 retained).
Molecular consequence: synonymous variant.
Genome position (GRCh38, 1-based): chr1:201,110,257, C>T on the plus strand (G>A on the coding strand, the complement: CACNA1S is on the minus strand). VCF-style: chr1-201110257-C-T. GRCh37 (hg19) VCF-style: chr1-201079385-C-T.
Identifiers: ClinVar variation 391581 (VCV000391581.36), dbSNP rs150520884, ClinGen allele CA078508.